The following is an entry in ClinVar:

ClinVar aggregate classification (germline): Uncertain significance (1 of 4 stars; one submission).

Conditions:
Ataxia-telangiectasia syndrome (AT). Also called: Ataxia-telangiectasia, complementation group E; Cerebello-oculocutaneous telangiectasia; Immunodeficiency with ataxia telangiectasia; Ataxia-telangiectasia, complementation group D; AT, COMPLEMENTATION GROUP C; Ataxia-telangiectasia. Identifiers: Orphanet 100, MedGen C0004135, MONDO:0008840, OMIM 208900.

gnomAD v4.1: 2 of 1,613,802 alleles (0.00012%); no homozygotes.

Submission:

Labcorp Genetics (formerly Invitae), Labcorp
Classification: Uncertain significance for Ataxia-telangiectasia syndrome. Last evaluated: 2020-03-16. Review status: criteria provided, single submitter. Criteria: Invitae Variant Classification Sherloc (09022015). Collection method: clinical testing. Allele origin: germline.
Comment: In summary, the available evidence is currently insufficient to determine the role of this variant in disease. Therefore, it has been classified as a Variant of Uncertain Significance. This sequence change replaces leucine with phenylalanine at codon 1910 of the ATM protein (p.Leu1910Phe). The leucine residue is highly conserved and there is a small physicochemical difference between leucine and phenylalanine. This variant is not present in population databases (ExAC no frequency). This variant has not been reported in the literature in individuals with ATM-related conditions. Algorithms developed to predict the effect of missense changes on protein structure and function are either unavailable or do not agree on the potential impact of this missense change (SIFT: "Deleterious"; PolyPhen-2: "Probably Damaging"; Align-GVGD: "Class C15").

NM_000051.4(ATM):c.5728C>T (p.Leu1910Phe)

Gene: ATM (ATM serine/threonine kinase; plus strand). Cytogenetic location: 11q22.3.
Variant type: single nucleotide variant.
Coding change: c.5728C>T on transcript NM_000051.4 (MANE Select); coding-DNA position 5728, C replaced by T.
Protein change: p.Leu1910Phe; replaces leucine 1910 with phenylalanine.
Molecular consequence: missense variant.
Genome position (GRCh38, 1-based): chr11:108,307,950, C>T. VCF-style: chr11-108307950-C-T. GRCh37 (hg19) VCF-style: chr11-108178677-C-T.
Other names: c.5728C>T, p.Leu1910Phe (NM_001351834.2); short protein forms L1910F.
Identifiers: ClinVar variation 853515 (VCV000853515.9), dbSNP rs143577586, ClinGen allele CA382547955.